The following is an entry in ClinVar:

NM_005188.4(CBL):c.878T>C (p.Phe293Ser)

Gene: CBL (Cbl proto-oncogene; plus strand). Cytogenetic location: 11q23.3.
Variant type: single nucleotide variant.
Coding change: c.878T>C on transcript NM_005188.4 (MANE Select); coding-DNA position 878, T replaced by C.
Protein change: p.Phe293Ser; replaces phenylalanine 293 with serine.
Molecular consequence: missense variant.
Genome position (GRCh38, 1-based): chr11:119,276,005, T>C. VCF-style: chr11-119276005-T-C. GRCh37 (hg19) VCF-style: chr11-119146715-T-C.
Other names: short protein forms F293S.
Identifiers: ClinVar variation 3485605 (VCV003485605.1).

ClinVar aggregate classification (germline): Uncertain significance (1 of 4 stars; one submission).

Conditions:
Cardiovascular phenotype. Identifiers: MedGen CN230736.

Submission:

Ambry Genetics
Classification: Uncertain significance for Cardiovascular phenotype. Last evaluated: 2024-11-18. Review status: criteria provided, single submitter. Criteria: Ambry Variant Classification Scheme 2023. Collection method: clinical testing. Allele origin: germline.
Comment: The p.F293S variant (also known as c.878T>C), located in coding exon 6 of the CBL gene, results from a T to C substitution at nucleotide position 878. The phenylalanine at codon 293 is replaced by serine, an amino acid with highly dissimilar properties. This amino acid position is conserved. In addition, this alteration is predicted to be deleterious by in silico analysis. Based on the available evidence, the clinical significance of this variant remains unclear.